The following is an entry in ClinVar:

NM_002637.4(PHKA1):c.2527-1G>T

Gene: PHKA1 (phosphorylase kinase regulatory subunit alpha 1; minus strand). Cytogenetic location: Xq13.1.
Variant type: single nucleotide variant.
Coding change: c.2527-1G>T on transcript NM_002637.4 (MANE Select); the canonical splice acceptor site of the intron before coding-DNA position 2527, G replaced by T.
Molecular consequence: splice acceptor variant.
Genome position (GRCh38, 1-based): chrX:72,609,704, C>A on the plus strand (G>T on the coding strand, the complement: PHKA1 is on the minus strand). VCF-style: chrX-72609704-C-A. GRCh37 (hg19) VCF-style: chrX-71829554-C-A.
Other names: c.2350-1G>T (NM_001172436.2); c.2527-1G>T (NM_001122670.2).
Identifiers: ClinVar variation 653856 (VCV000653856.8), dbSNP rs1556257317, ClinGen allele CA413589972.

ClinVar aggregate classification (germline): Likely pathogenic. Review status: criteria provided, multiple submitters, no conflicts (2 of 4 stars). 2 submissions from 2 submitters: Likely pathogenic (2). Last evaluated 2022-12-30.

Conditions:
Glycogen storage disease IXd (GSD9D). Also called: Muscle Phosphorylase Kinase Deficiency; GSD IXd. Identifiers: Orphanet 715, MedGen C1845151, MONDO:0010362, OMIM 300559.
Glycogen phosphorylase kinase deficiency. Also called: Phosphorylase Kinase Deficiency; Glycogen Storage Disease Type IX. Identifiers: Orphanet 370, MedGen C0268147, MONDO:0700291.

Allele frequency attached by ClinVar (database versions not stated): gnomAD 0.00001.
gnomAD v4.1: 1 of 1,170,009 alleles (0.000085%); highest among the groups gnomAD compares: Non-Finnish European, 0.00012%; no homozygotes.

Submissions (2):

Women's Health and Genetics/Laboratory Corporation of America, LabCorp
Classification: Likely pathogenic for Glycogen phosphorylase kinase deficiency. Last evaluated: 2022-12-30. Review status: criteria provided, single submitter. Criteria: LabCorp Variant Classification Summary - May 2015. Collection method: clinical testing. Allele origin: germline.
Comment: Variant summary: PHKA1 c.2527-1G>T is located in a canonical splice-site and is predicted to affect mRNA splicing resulting in a significantly altered protein due to either exon skipping, shortening, or inclusion of intronic material. Several computational tools predict a significant impact on normal splicing: four predict the variant abolishes a 3' acceptor site, and strengthens a cryptic exonic one. However, these predictions have yet to be confirmed by functional studies. The variant was absent in 183043 control chromosomes. To our knowledge, no occurrence of c.2527-1G>T in individuals affected with Glycogen Phosphorylase Kinase Deficiency and no experimental evidence demonstrating its impact on protein function have been reported. One clinical diagnostic laboratory has submitted clinical-significance assessments for this variant to ClinVar after 2014 and classified the variant as likely pathogenic. Based on the evidence outlined above, the variant was classified as likely pathogenic.

Labcorp Genetics (formerly Invitae), Labcorp
Classification: Likely pathogenic for Glycogen storage disease IXd. Last evaluated: 2022-08-30. Review status: criteria provided, single submitter. Criteria: Invitae Variant Classification Sherloc (09022015). Collection method: clinical testing. Allele origin: germline.
Comment: ClinVar contains an entry for this variant (Variation ID: 653856). Algorithms developed to predict the effect of sequence changes on RNA splicing suggest that this variant may disrupt the consensus splice site. In summary, the currently available evidence indicates that the variant is pathogenic, but additional data are needed to prove that conclusively. Therefore, this variant has been classified as Likely Pathogenic. This sequence change affects an acceptor splice site in intron 22 of the PHKA1 gene. It is expected to disrupt RNA splicing. Variants that disrupt the donor or acceptor splice site typically lead to a loss of protein function (PMID: 16199547), and loss-of-function variants in PHKA1 are known to be pathogenic (PMID: 9731190, 15637709). This variant is present in population databases (no rsID available, gnomAD 0.009%). This variant has not been reported in the literature in individuals affected with PHKA1-related conditions.

Literature cited by the submitters: PubMed 16199547 (cited by Labcorp Genetics (formerly Invitae), Labcorp); PubMed 9731190 (cited by Labcorp Genetics (formerly Invitae), Labcorp); PubMed 15637709 (cited by Labcorp Genetics (formerly Invitae), Labcorp).